The following is an entry in ClinVar:

NM_001364905.1(LRBA):c.835A>G (p.Ile279Val)

Gene: LRBA (LPS responsive beige-like anchor protein; minus strand). Cytogenetic location: 4q31.3.
Variant type: single nucleotide variant.
Coding change: c.835A>G on transcript NM_001364905.1 (MANE Select); coding-DNA position 835, A replaced by G.
Protein change: p.Ile279Val; replaces isoleucine 279 with valine.
Molecular consequence: missense variant.
Genome position (GRCh38, 1-based): chr4:150,916,460, T>C on the plus strand (A>G on the coding strand, the complement: LRBA is on the minus strand). VCF-style: chr4-150916460-T-C. GRCh37 (hg19) VCF-style: chr4-151837612-T-C.
Other names: c.835A>G, p.Ile279Val (NM_001367550.1, NM_006726.5, NM_001199282.3); short protein forms I279V.
Identifiers: ClinVar variation 1035400 (VCV001035400.7), dbSNP rs773593225, ClinGen allele CA3103756.

ClinVar aggregate classification (germline): Uncertain significance. Review status: criteria provided, multiple submitters, no conflicts (2 of 4 stars). 2 submissions from 2 submitters: Uncertain significance (2). Last evaluated 2025-09-27.

Conditions:
Combined immunodeficiency due to LRBA deficiency. Also called: Common variable immunodeficiency 8, with autoimmunity. Identifiers: Orphanet 445018, MedGen C3553512, MONDO:0013863, OMIM 614700.
Inborn genetic diseases. Identifiers: MedGen C0950123, MeSH D030342.

Allele frequency attached by ClinVar (database versions not stated): TOPMed 0.00002; gnomAD exomes 0.00001; gnomAD 0.00002; ExAC 0.00001.
gnomAD v4.1: 13 of 1,613,684 alleles (0.00081%); highest among the groups gnomAD compares: Non-Finnish European, 0.0011%; no homozygotes.

Submissions (2):

Ambry Genetics
Classification: Uncertain significance for Inborn genetic diseases. Last evaluated: 2025-09-27. Review status: criteria provided, single submitter. Criteria: Ambry Variant Classification Scheme 2023. Collection method: clinical testing. Allele origin: germline.

Labcorp Genetics (formerly Invitae), Labcorp
Classification: Uncertain significance for Combined immunodeficiency due to LRBA deficiency. Last evaluated: 2022-03-19. Review status: criteria provided, single submitter. Criteria: Invitae Variant Classification Sherloc (09022015). Collection method: clinical testing. Allele origin: germline.
Comment: This sequence change replaces isoleucine, which is neutral and non-polar, with valine, which is neutral and non-polar, at codon 279 of the LRBA protein (p.Ile279Val). This variant is not present in population databases (gnomAD no frequency). This variant has not been reported in the literature in individuals affected with LRBA-related conditions. ClinVar contains an entry for this variant (Variation ID: 1035400). Algorithms developed to predict the effect of missense changes on protein structure and function output the following: SIFT: "Tolerated"; PolyPhen-2: "Benign"; Align-GVGD: "Class C0". The valine amino acid residue is found in multiple mammalian species, which suggests that this missense change does not adversely affect protein function. Algorithms developed to predict the effect of sequence changes on RNA splicing suggest that this variant may create or strengthen a splice site. In summary, the available evidence is currently insufficient to determine the role of this variant in disease. Therefore, it has been classified as a Variant of Uncertain Significance.